The following is an entry in ClinVar:

ClinVar aggregate classification (germline): Uncertain significance. Review status: criteria provided, multiple submitters, no conflicts (2 of 4 stars). 2 submissions from 2 submitters: Uncertain significance (2). Last evaluated 2025-05-18.

Conditions:
Inborn genetic diseases. Identifiers: MedGen C0950123, MeSH D030342.
Inflammatory bowel disease 28. Also called: Inflammatory bowel disease 28, early onset, autosomal recessive. Identifiers: Orphanet 238569, MedGen C2751053, MONDO:0013153, OMIM 613148.

Allele frequency attached by ClinVar (database versions not stated): TOPMed below 0.00001; gnomAD 0.00001.
gnomAD v4.1: 1 of 1,614,066 alleles (0.000062%); highest among the groups gnomAD compares: Non-Finnish European, 0.000085%; no homozygotes.

Submissions (2):

Ambry Genetics
Classification: Uncertain significance for Inborn genetic diseases. Last evaluated: 2025-05-18. Review status: criteria provided, single submitter. Criteria: Ambry Variant Classification Scheme 2023. Collection method: clinical testing. Allele origin: germline.

Labcorp Genetics (formerly Invitae), Labcorp
Classification: Uncertain significance for Inflammatory bowel disease 28. Last evaluated: 2022-04-21. Review status: criteria provided, single submitter. Criteria: Invitae Variant Classification Sherloc (09022015). Collection method: clinical testing. Allele origin: germline.
Comment: In summary, the available evidence is currently insufficient to determine the role of this variant in disease. Therefore, it has been classified as a Variant of Uncertain Significance. Algorithms developed to predict the effect of missense changes on protein structure and function (SIFT, PolyPhen-2, Align-GVGD) all suggest that this variant is likely to be tolerated. This variant has not been reported in the literature in individuals affected with IL10RA-related conditions. This sequence change replaces histidine, which is basic and polar, with asparagine, which is neutral and polar, at codon 424 of the IL10RA protein (p.His424Asn). This variant is not present in population databases (gnomAD no frequency).

NM_001558.4(IL10RA):c.1270C>A (p.His424Asn)

Gene: IL10RA (interleukin 10 receptor subunit alpha; plus strand). Cytogenetic location: 11q23.3.
Variant type: single nucleotide variant.
Coding change: c.1270C>A on transcript NM_001558.4 (MANE Select); coding-DNA position 1270, C replaced by A.
Protein change: p.His424Asn; replaces histidine 424 with asparagine.
Molecular consequence: missense variant. On other transcripts: non-coding transcript variant (1).
Genome position (GRCh38, 1-based): chr11:117,999,174, C>A. VCF-style: chr11-117999174-C-A. GRCh37 (hg19) VCF-style: chr11-117869889-C-A.
Other names: short protein forms H424N.
Identifiers: ClinVar variation 1976148 (VCV001976148.4), dbSNP rs1204491514, ClinGen allele CA382780637.